The following is an entry in ClinVar:

ClinVar aggregate classification (germline): Likely benign. Review status: criteria provided, multiple submitters, no conflicts (2 of 4 stars). 3 submissions from 3 submitters: Likely benign (3). Last evaluated 2025-03-14.

Conditions:
BDP1-related disorder. Also called: BDP1-related condition.

Allele frequency attached by ClinVar (database versions not stated): gnomAD exomes 0.00007 and 0.00015; ExAC 0.00018; ESP Exome Variant Server 0.00034; gnomAD 0.00052 and 0.00057; 1000 Genomes Project 0.00060; 1000 Genomes Project 30x 0.00062; TOPMed 0.00062.
gnomAD v4.1: 188 of 1,614,050 alleles (0.012%); highest among the groups gnomAD compares: African/African-American, 0.22%; 1 homozygote.

Submissions (3):

PreventionGenetics, part of Exact Sciences
Classification: Likely benign for BDP1-related condition. Last evaluated: 2025-03-14. Review status: criteria provided, single submitter. Criteria: ACMG Guidelines, 2015. Collection method: clinical testing. Allele origin: germline.
Comment: This variant is classified as likely benign based on ACMG/AMP sequence variant interpretation guidelines (Richards et al. 2015 PMID: 25741868, with internal and published modifications).

Blueprint Genetics
Classification: Likely benign. Last evaluated: 2024-11-13. Review status: criteria provided, single submitter. Criteria: ACMG Guidelines, 2015. Collection method: clinical testing. Allele origin: germline.

GeneDx
Classification: Likely benign. Last evaluated: 2020-02-25. Review status: criteria provided, single submitter. Criteria: GeneDx Variant Classification Process June 2021. Collection method: clinical testing. Allele origin: germline. Affected: yes.

NM_018429.3(BDP1):c.3688A>G (p.Ile1230Val)

Gene: BDP1 (BDP1 general transcription factor IIIB subunit; plus strand). Cytogenetic location: 5q13.2.
Variant type: single nucleotide variant.
Coding change: c.3688A>G on transcript NM_018429.3 (MANE Select); coding-DNA position 3688, A replaced by G.
Protein change: p.Ile1230Val; replaces isoleucine 1230 with valine.
Molecular consequence: missense variant.
Genome position (GRCh38, 1-based): chr5:71,510,780, A>G. VCF-style: chr5-71510780-A-G. GRCh37 (hg19) VCF-style: chr5-70806607-A-G.
Other names: short protein forms I1230V.
Identifiers: ClinVar variation 1316228 (VCV001316228.4), dbSNP rs199944691, ClinGen allele CA3296516.